The following is an entry in ClinVar:

ClinVar aggregate classification (germline): Uncertain significance (1 of 4 stars; one submission).

Allele frequency attached by ClinVar (database versions not stated): gnomAD exomes below 0.00001 and 0.00002; gnomAD 0.00001 and 0.00002; TOPMed 0.00001; ExAC 0.00002.

Submission:

Labcorp Genetics (formerly Invitae), Labcorp
Classification: Uncertain significance. Last evaluated: 2021-06-22. Review status: criteria provided, single submitter. Criteria: Invitae Variant Classification Sherloc (09022015). Collection method: clinical testing. Allele origin: germline.
Comment: In summary, the available evidence is currently insufficient to determine the role of this variant in disease. Therefore, it has been classified as a Variant of Uncertain Significance. Algorithms developed to predict the effect of missense changes on protein structure and function are either unavailable or do not agree on the potential impact of this missense change (SIFT: "Tolerated"; PolyPhen-2: "Probably Damaging"; Align-GVGD: "Class C0"). This variant has not been reported in the literature in individuals with ESPN-related conditions. This variant is present in population databases (rs776128637, ExAC 0.004%). This sequence change replaces glutamic acid with lysine at codon 779 of the ESPN protein (p.Glu779Lys). The glutamic acid residue is highly conserved and there is a small physicochemical difference between glutamic acid and lysine.

NM_031475.3(ESPN):c.2335G>A (p.Glu779Lys)

Gene: ESPN (espin; plus strand). Cytogenetic location: 1p36.31.
Variant type: single nucleotide variant.
Coding change: c.2335G>A on transcript NM_031475.3 (MANE Select); coding-DNA position 2335, G replaced by A.
Protein change: p.Glu779Lys; replaces glutamic acid 779 with lysine.
Molecular consequence: missense variant.
Genome position (GRCh38, 1-based): chr1:6,457,193, G>A. VCF-style: chr1-6457193-G-A. GRCh37 (hg19) VCF-style: chr1-6517253-G-A.
Other names: c.2245G>A, p.Glu749Lys (NM_001367473.1); c.2272G>A, p.Glu758Lys (NM_001367474.1); short protein forms E749K, E758K, E779K.
Identifiers: ClinVar variation 1427392 (VCV001427392.7), dbSNP rs776128637, ClinGen allele CA560459.